The following is an entry in ClinVar:

ClinVar aggregate classification (germline): Benign/Likely benign. Review status: criteria provided, multiple submitters, no conflicts (2 of 4 stars). 12 submissions from 12 submitters: Benign (4); Likely benign (5). 3 of the submissions do not count toward it. Last evaluated 2026-09-01.

Allele frequency attached by ClinVar (database versions not stated): ExAC 0.00126; 1000 Genomes Project 30x 0.00219; 1000 Genomes Project 0.00220; gnomAD 0.00240 and 0.00252; ESP Exome Variant Server 0.00254; TOPMed 0.00326.

Submissions (12):

CeGaT Center for Human Genetics Tuebingen
Classification: Likely benign. Last evaluated: 2026-09-01. Review status: criteria provided, single submitter. Criteria: CeGaT Center For Human Genetics Tuebingen Variant Classification Criteria Version 2. Collection method: clinical testing. Allele origin: germline. Affected: yes. Observed: 8 variant alleles.
Comment: KARS1: BP4, BP7

Labcorp Genetics (formerly Invitae), Labcorp
Classification: Benign. Last evaluated: 2026-01-15. Review status: criteria provided, single submitter. Criteria: Invitae Variant Classification Sherloc (09022015). Collection method: clinical testing. Allele origin: germline.

Blueprint Genetics
Classification: Likely benign. Last evaluated: 2024-11-20. Review status: criteria provided, single submitter. Criteria: ACMG Guidelines, 2015. Collection method: clinical testing. Allele origin: germline.

Mayo Clinic Laboratories, Mayo Clinic
Classification: Benign. Last evaluated: 2024-09-27. Review status: criteria provided, single submitter. Criteria: ACMG Guidelines, 2015. Collection method: clinical testing. Allele origin: germline. Observed: 4 variant alleles.
Comment: BS1, BS2

ARUP Laboratories, Molecular Genetics and Genomics, ARUP Laboratories
Classification: Likely benign. Last evaluated: 2023-10-30. Review status: criteria provided, single submitter. Criteria: ARUP Molecular Germline Variant Investigation Process 2024. Collection method: clinical testing. Allele origin: germline.

GeneDx
Classification: Benign. Last evaluated: 2019-01-14. Review status: criteria provided, single submitter. Criteria: GeneDx Variant Classification Process June 2021. Collection method: clinical testing. Allele origin: germline. Affected: yes.

Eurofins Ntd Llc (ga)
Classification: Likely benign. Last evaluated: 2018-04-04. Review status: criteria provided, single submitter. Criteria: EGL ClinVar v180209 classification definitions. Collection method: clinical testing. Allele origin: germline. Observed: 1 variant allele, 1 heterozygote.

Laboratory for Molecular Medicine, Mass General Brigham Personalized Medicine
Classification: Benign. Last evaluated: 2014-11-24. Review status: criteria provided, single submitter. Criteria: LMM Criteria. Collection method: clinical testing. Allele origin: germline. Observed: 8 variant alleles.
Comment: Leu586Leu in exon 14 of KARS: This variant is not expected to have clinical sign ificance because it does not alter an amino acid residue and is not located with in the splice consensus sequence. It has been identified in 0.6% (27/4396) of Af rican American chromosomes from a broad population by the NHLBI Exome Sequencing Project (dbSNP rs143267922).

Breakthrough Genomics
Classification: Likely benign. Review status: criteria provided, single submitter. Criteria: ACMG Guidelines, 2015. Collection method: not provided. Allele origin: germline. Inheritance: Autosomal recessive inheritance. Affected: yes.

Clinical Genetics DNA and cytogenetics Diagnostics Lab, Erasmus MC, Erasmus Medical Center
Classification: Likely benign. Review status: no assertion criteria provided. Collection method: clinical testing. Allele origin: germline. Affected: yes. Study: VKGL Data-share Consensus. Not counted in ClinVar's aggregate classification.

Clinical Genetics, Academic Medical Center
Classification: Benign. Review status: no assertion criteria provided. Collection method: clinical testing. Allele origin: germline. Affected: yes. Study: VKGL Data-share Consensus. Not counted in ClinVar's aggregate classification.

Genome Diagnostics Laboratory, University Medical Center Utrecht
Classification: Likely benign. Review status: no assertion criteria provided. Collection method: clinical testing. Allele origin: germline. Affected: yes. Study: VKGL Data-share Consensus. Not counted in ClinVar's aggregate classification.

NM_005548.3(KARS1):c.1674C>T (p.Leu558=)

Gene: KARS1 (lysyl-tRNA synthetase 1; minus strand). Cytogenetic location: 16q23.1.
Variant type: single nucleotide variant.
Coding change: c.1674C>T on transcript NM_005548.3 (MANE Select); coding-DNA position 1674, C replaced by T.
Protein change: p.Leu558=; no amino-acid change (leucine 558 retained).
Molecular consequence: synonymous variant.
Genome position (GRCh38, 1-based): chr16:75,628,590, G>A on the plus strand (C>T on the coding strand, the complement: KARS1 is on the minus strand). VCF-style: chr16-75628590-G-A. GRCh37 (hg19) VCF-style: chr16-75662488-G-A.
Other names: p.Leu586=; c.1758C>T, p.Leu586= (NM_001130089.2); c.1206C>T, p.Leu402= (NM_001378148.1).
Identifiers: ClinVar variation 226681 (VCV000226681.49), dbSNP rs143267922, ClinGen allele CA8177173.